The following is an entry in ClinVar:

NM_014875.3(KIF14):c.1115A>G (p.Glu372Gly)

Gene: KIF14 (kinesin family member 14; minus strand). Cytogenetic location: 1q32.1.
Variant type: single nucleotide variant.
Coding change: c.1115A>G on transcript NM_014875.3 (MANE Select); coding-DNA position 1115, A replaced by G.
Protein change: p.Glu372Gly; replaces glutamic acid 372 with glycine.
Molecular consequence: missense variant. On other transcripts: 5 prime UTR variant (1).
Genome position (GRCh38, 1-based): chr1:200,615,607, T>C on the plus strand (A>G on the coding strand, the complement: KIF14 is on the minus strand). VCF-style: chr1-200615607-T-C. GRCh37 (hg19) VCF-style: chr1-200584735-T-C.
Other names: c.-271A>G (NM_001305792.1); short protein forms E372G.
Identifiers: ClinVar variation 632868 (VCV000632868.2), dbSNP rs766030658, ClinGen allele CA1317895.

ClinVar aggregate classification (germline): Likely benign (1 of 4 stars; one submission).

Allele frequency attached by ClinVar (database versions not stated): gnomAD below 0.00001 and 0.00001; gnomAD exomes 0.00002 and 0.00005; ExAC 0.00006.
gnomAD v4.1: 27 of 1,604,482 alleles (0.0017%); highest among the groups gnomAD compares: South Asian, 0.028%; no homozygotes.

Submission:

Women's Health and Genetics/Laboratory Corporation of America, LabCorp
Classification: Likely benign. Last evaluated: 2019-03-01. Review status: criteria provided, single submitter. Criteria: LabCorp Variant Classification Summary - May 2015. Collection method: clinical testing. Allele origin: germline.
Comment: Variant summary: KIF14 c.1115A>G (p.Glu372Gly) results in a non-conservative amino acid change located in the Kinesin motor domain of the encoded protein sequence. Five of five in-silico tools predict a damaging effect of the variant on protein function. The variant allele was found at a frequency of 5e-05 in 239078 control chromosomes. To our knowledge, no occurrence of c.1115A>G in individuals affected with Microcephaly 20, primary, autosomal recessive and no experimental evidence demonstrating its impact on protein function have been reported. No clinical diagnostic laboratories have submitted clinical-significance assessments for this variant to ClinVar after 2014. Based on the evidence outlined above, the variant was classified as likely benign.